The following is an entry in ClinVar:

NM_001288705.3(CSF1R):c.2671G>C (p.Ala891Pro)

Gene: CSF1R (colony stimulating factor 1 receptor; minus strand). Cytogenetic location: 5q32.
Variant type: single nucleotide variant.
Coding change: c.2671G>C on transcript NM_001288705.3 (MANE Select); coding-DNA position 2671, G replaced by C.
Protein change: p.Ala891Pro; replaces alanine 891 with proline.
Molecular consequence: missense variant. On other transcripts: non-coding transcript variant (2).
Genome position (GRCh38, 1-based): chr5:150,054,414, C>G on the plus strand (G>C on the coding strand, the complement: CSF1R is on the minus strand). VCF-style: chr5-150054414-C-G. GRCh37 (hg19) VCF-style: chr5-149433977-C-G.
Other names: c.2671G>C, p.Ala891Pro (NM_001349736.2, NM_001375320.1, NM_005211.4); c.2227G>C, p.Ala743Pro (NM_001375321.1); short protein forms A891P, A743P.
Identifiers: ClinVar variation 599607 (VCV000599607.1), dbSNP rs1561901881, ClinGen allele CA361757419.

ClinVar aggregate classification (germline): Likely pathogenic (1 of 4 stars; one submission).

Conditions:
Alzheimer disease. Also called: Presenile and senile dementia; Alzheimer's disease. Identifiers: Orphanet 1020, MedGen C0002395, MeSH D000544, MONDO:0004975, HP:0002511.

Submission:

Human Genetics Group at Institute of Prion Diseases London, University College London
Classification: Likely pathogenic for Alzheimer disease type 1. Last evaluated: 2017-02-01. Review status: criteria provided, single submitter. Criteria: Koriath et al. 2018. Collection method: research. Allele origin: inherited. Affected: yes. Observed: 1 variant allele.
Comment: not on exac, not on evs. In silico not consistent. Mutation located in intracellular tyrosine kinase domain Clinical description fits Hereditary Diffuse Leukoencephalopathy with spheroids. Big amino acid change from small hydrophobic alanine to big special case proline